The following is an entry in ClinVar:

NM_020911.2(PLXNA4):c.1371+4472C>G

Gene: PLXNA4 (plexin A4; minus strand). Cytogenetic location: 7q32.3.
Variant type: single nucleotide variant.
Coding change: c.1371+4472C>G on transcript NM_020911.2 (MANE Select); 4472 bases into the intron after coding-DNA position 1371, C replaced by G.
Molecular consequence: intron variant. On other transcripts: missense variant (1).
Genome position (GRCh38, 1-based): chr7:132,484,820, G>C on the plus strand (C>G on the coding strand, the complement: PLXNA4 is on the minus strand). VCF-style: chr7-132484820-G-C. GRCh37 (hg19) VCF-style: chr7-132169579-G-C.
Other names: c.1565C>G, p.Ser522Cys (NM_181775.4); c.1371+4472C>G (NM_001393897.1, NM_001105543.2); short protein forms S522C.
Identifiers: ClinVar variation 3354067 (VCV003354067.1).
Genomic context (GRCh38, chr7:132,484,820, plus strand): 5'-TCTGTGCTATGAATATTTATTTTTAGTTAAAGTGGATTCAAATTTCCAGAGTAATTTTAG[G>C]AAGAATTCCCAGGTACATTTAGGAAGCAACAAAGCAGAGGCTGGACTCTCTGATCTGATA-3'

ClinVar aggregate classification (germline): Uncertain significance (0 of 4 stars; one submission).

Conditions:
PLXNA4-related disorder. Also called: PLXNA4-related condition.

gnomAD v4.1: 1 of 1,613,850 alleles (0.000062%); highest among the groups gnomAD compares: Non-Finnish European, 0.000085%; no homozygotes.

Submission:

PreventionGenetics, part of Exact Sciences
Classification: Uncertain significance for PLXNA4-related condition. Last evaluated: 2024-08-19. Review status: no assertion criteria provided. Collection method: clinical testing. Allele origin: germline.
Comment: The PLXNA4 c.1565C>G variant is predicted to result in the amino acid substitution p.Ser522Cys. To our knowledge, this variant has not been reported in the literature or in a large population database, indicating this variant is rare. At this time, the clinical significance of this variant is uncertain due to the absence of conclusive functional and genetic evidence.